The following is an entry in ClinVar:

NM_014844.5(TECPR2):c.3486G>A (p.Thr1162=)

Gene: TECPR2 (tectonin beta-propeller repeat containing 2; plus strand). Cytogenetic location: 14q32.31.
Variant type: single nucleotide variant.
Coding change: c.3486G>A on transcript NM_014844.5 (MANE Select); coding-DNA position 3486, G replaced by A.
Protein change: p.Thr1162=; no amino-acid change (threonine 1162 retained).
Molecular consequence: synonymous variant.
Genome position (GRCh38, 1-based): chr14:102,452,473, G>A. VCF-style: chr14-102452473-G-A. GRCh37 (hg19) VCF-style: chr14-102918810-G-A.
Other names: c.3486G>A, p.Thr1162= (NM_001172631.3).
Identifiers: ClinVar variation 695866 (VCV000695866.18), dbSNP rs747983532, ClinGen allele CA7358260.

ClinVar aggregate classification (germline): Likely benign. Review status: criteria provided, multiple submitters, no conflicts (2 of 4 stars). 4 submissions from 4 submitters: Likely benign (3). 1 of the submissions does not count toward it. Last evaluated 2026-01-20.

Conditions:
Hereditary spastic paraplegia 49 (HSAN9). Also called: Spastic paraplegia 49, autosomal recessive; TECPR2-Related Hereditary Sensory and Autonomic Neuropathy with Intellectual Disability; NEUROPATHY, HEREDITARY SENSORY AND AUTONOMIC, TYPE IX, WITH DEVELOPMENTAL DELAY. Identifiers: Orphanet 320385, MedGen C5190860, MONDO:0014016, OMIM 615031.

Allele frequency attached by ClinVar (database versions not stated): gnomAD 0.00001; TOPMed 0.00011; gnomAD exomes 0.00015; ExAC 0.00019.
gnomAD v4.1: 50 of 1,613,470 alleles (0.0031%); highest among the groups gnomAD compares: Admixed American, 0.06%; no homozygotes.

Submissions (4):

Labcorp Genetics (formerly Invitae), Labcorp
Classification: Likely benign for Hereditary spastic paraplegia 49. Last evaluated: 2026-01-20. Review status: criteria provided, single submitter. Criteria: Invitae Variant Classification Sherloc (09022015). Collection method: clinical testing. Allele origin: germline.

CeGaT Center for Human Genetics Tuebingen
Classification: Likely benign. Last evaluated: 2025-12-01. Review status: criteria provided, single submitter. Criteria: CeGaT Center For Human Genetics Tuebingen Variant Classification Criteria Version 2. Collection method: clinical testing. Allele origin: germline. Affected: yes. Observed: 1 variant allele.
Comment: TECPR2: BP4, BP7

Blueprint Genetics
Classification: Likely benign. Last evaluated: 2022-09-12. Review status: criteria provided, single submitter. Criteria: ACMG Guidelines, 2015. Collection method: clinical testing. Allele origin: germline.

Natera, Inc.
Classification: Likely benign for Autosomal recessive spastic paraplegia type 49. Last evaluated: 2020-04-17. Review status: no assertion criteria provided. Collection method: clinical testing. Allele origin: germline. Not counted in ClinVar's aggregate classification.